The following is an entry in ClinVar:

ClinVar aggregate classification (germline): Pathogenic (1 of 4 stars; one submission).

Submission:

Labcorp Genetics (formerly Invitae), Labcorp
Classification: Pathogenic. Last evaluated: 2023-03-04. Review status: criteria provided, single submitter. Criteria: Invitae Variant Classification Sherloc (09022015). Collection method: clinical testing. Allele origin: unknown.
Comment: For these reasons, this variant has been classified as Pathogenic. This variant disrupts a region of the PHEX protein in which other variant(s) (p.Pro534Thr) have been determined to be pathogenic (PMID: 18162710, 19219621, 22577109, 29460029, 29505567). This suggests that this is a clinically significant region of the protein, and that variants that disrupt it are likely to be disease-causing. This variant has not been reported in the literature in individuals affected with PHEX-related conditions. This variant is a gross deletion of the genomic region encompassing exon(s) 14-20 of the PHEX gene. This variant would be expected to be in-frame, preserving the integrity of the reading frame.

Literature cited by the submitters: PubMed 18162710; PubMed 19219621; PubMed 22577109; PubMed 29460029; PubMed 29505567.

NC_000023.10:g.(?_22196370)_(22245748_?)del

Gene: PHEX (phosphate regulating endopeptidase X-linked; plus strand). Cytogenetic location: Xp22.11.
Variant type: Deletion.
Identifiers: ClinVar variation 3246000 (VCV003246000.1).